The following is an entry in ClinVar:

NM_000321.3(RB1):c.2242G>T (p.Glu748Ter)

Gene: RB1 (RB transcriptional corepressor 1; plus strand). Cytogenetic location: 13q14.2.
Variant type: single nucleotide variant.
Coding change: c.2242G>T on transcript NM_000321.3 (MANE Select); coding-DNA position 2242, G replaced by T.
Protein change: p.Glu748Ter; replaces glutamic acid 748 with a stop codon.
Molecular consequence: nonsense.
Genome position (GRCh38, 1-based): chr13:48,465,028, G>T. VCF-style: chr13-48465028-G-T. GRCh37 (hg19) VCF-style: chr13-49039164-G-T.
Other names: short protein forms E748*.
Identifiers: ClinVar variation 13078 (VCV000013078.5), dbSNP rs121913297, ClinGen allele CA026433.

ClinVar aggregate classification (germline): Pathogenic. Review status: criteria provided, multiple submitters, no conflicts (2 of 4 stars). 3 submissions from 3 submitters: Pathogenic (2). 1 of the submissions does not count toward it. Last evaluated 2024-05-20.

Conditions:
Retinoblastoma (RB1). Also called: RETINOBLASTOMA, SOMATIC. Identifiers: Orphanet 790, MedGen C0035335, MeSH D012175, MONDO:0008380, OMIM 180200, HP:0009919. Disease mechanism: loss of function. Inheritance: Both sporadic and heritable forms are tested..
Small cell lung carcinoma. Also called: SMALL CELL CANCER OF THE LUNG, SOMATIC; Lung oat cell carcinoma; Small cell lung cancer. Identifiers: Orphanet 70573, MedGen C0149925, MeSH D055752, MONDO:0008433, OMIM 182280, HP:0030357.

Submissions (3):

Genetic Diagnostic Laboratory, University of Pennsylvania School of Medicine
Classification: Pathogenic for Retinoblastoma. Last evaluated: 2024-05-20. Review status: criteria provided, single submitter. Criteria: ACMG Guidelines, 2015. Collection method: clinical testing. Allele origin: germline. Affected: yes. Observed: 1 variant allele.
Comment: Case and Pedigree Information: BILATERAL CASES:1, UNILATERAL CASES:0, TOTAL CASES:1, PEDIGREES:1. ACMG Codes Applied:PVS1, PM2

Genetics and Molecular Pathology, SA Pathology
Classification: Pathogenic for Retinoblastoma. Last evaluated: 2021-07-05. Review status: criteria provided, single submitter. Criteria: ACMG Guidelines, 2015. Collection method: clinical testing. Allele origin: germline. Inheritance: Autosomal dominant inheritance. Affected: yes.

OMIM
Classification: Pathogenic for SMALL CELL CANCER OF THE LUNG, SOMATIC. Last evaluated: 1989-12-21. Review status: no assertion criteria provided. Collection method: literature only. Allele origin: somatic. Not counted in ClinVar's aggregate classification.

Literature cited by the submitters: PubMed 2594029 (cited by OMIM).